The following is an entry in ClinVar:

ClinVar aggregate classification (germline): Uncertain significance. Review status: criteria provided, multiple submitters, no conflicts (2 of 4 stars). 4 submissions from 4 submitters: Uncertain significance (4). Last evaluated 2025-07-08.

Conditions:
Inborn genetic diseases. Identifiers: MedGen C0950123, MeSH D030342.
Age related macular degeneration 9. Identifiers: MedGen C1969651, MONDO:0012659, OMIM 611378.
Atypical hemolytic-uremic syndrome with C3 anomaly. Also called: AHUS, SUSCEPTIBILITY TO, 5. Identifiers: Orphanet 2134, MedGen C2752037, MONDO:0013043, OMIM 612925.
Complement component 3 deficiency. Identifiers: Orphanet 280133, MedGen C3151071, MONDO:0013417, OMIM 613779.

Allele frequency attached by ClinVar (database versions not stated): gnomAD exomes 0.00001; ExAC 0.00002; gnomAD 0.00007; ESP Exome Variant Server 0.00008; TOPMed 0.00011.
gnomAD v4.1: 29 of 1,613,928 alleles (0.0018%); highest among the groups gnomAD compares: African/African-American, 0.035%; no homozygotes.

Submissions (4):

Mayo Clinic Laboratories, Mayo Clinic
Classification: Uncertain significance. Last evaluated: 2025-07-08. Review status: criteria provided, single submitter. Criteria: ACMG Guidelines, 2015. Collection method: clinical testing. Allele origin: germline. Observed: 1 variant allele.
Comment: BP4_moderate

Labcorp Genetics (formerly Invitae), Labcorp
Classification: Uncertain significance. Last evaluated: 2024-11-18. Review status: criteria provided, single submitter. Criteria: Invitae Variant Classification Sherloc (09022015). Collection method: clinical testing. Allele origin: germline.
Comment: This sequence change replaces aspartic acid, which is acidic and polar, with asparagine, which is neutral and polar, at codon 513 of the C3 protein (p.Asp513Asn). This variant is present in population databases (rs139744070, gnomAD 0.04%). This variant has not been reported in the literature in individuals affected with C3-related conditions. ClinVar contains an entry for this variant (Variation ID: 1910885). Invitae Evidence Modeling of protein sequence and biophysical properties (such as structural, functional, and spatial information, amino acid conservation, physicochemical variation, residue mobility, and thermodynamic stability) indicates that this missense variant is not expected to disrupt C3 protein function with a negative predictive value of 80%. In summary, the available evidence is currently insufficient to determine the role of this variant in disease. Therefore, it has been classified as a Variant of Uncertain Significance.

Fulgent Genetics
Classification: Uncertain significance for Age related macular degeneration 9; Atypical hemolytic-uremic syndrome with C3 anomaly; Complement component 3 deficiency. Last evaluated: 2024-05-15. Review status: criteria provided, single submitter. Criteria: ACMG Guidelines, 2015. Collection method: clinical testing. Allele origin: germline.

Ambry Genetics
Classification: Uncertain significance for Inborn genetic diseases. Last evaluated: 2021-11-10. Review status: criteria provided, single submitter. Criteria: Ambry Variant Classification Scheme 2023. Collection method: clinical testing. Allele origin: germline.

NM_000064.4(C3):c.1537G>A (p.Asp513Asn)

Gene: C3 (complement C3; minus strand). Cytogenetic location: 19p13.3.
Variant type: single nucleotide variant.
Coding change: c.1537G>A on transcript NM_000064.4 (MANE Select); coding-DNA position 1537, G replaced by A.
Protein change: p.Asp513Asn; replaces aspartic acid 513 with asparagine.
Molecular consequence: missense variant.
Genome position (GRCh38, 1-based): chr19:6,710,788, C>T on the plus strand (G>A on the coding strand, the complement: C3 is on the minus strand). VCF-style: chr19-6710788-C-T. GRCh37 (hg19) VCF-style: chr19-6710799-C-T.
Other names: p.Asp513Asn; short protein forms D513N.
Identifiers: ClinVar variation 1910885 (VCV001910885.8), dbSNP rs139744070, ClinGen allele CA9129410.